The following is an entry in ClinVar:

ClinVar aggregate classification (germline): Uncertain significance (1 of 4 stars; one submission).

Conditions:
Arrhythmogenic right ventricular dysplasia 11. Also called: Arrhythmogenic Right Ventricular Dysplasia/Cardiomyopathy11; ARRHYTHMOGENIC RIGHT VENTRICULAR DYSPLASIA, FAMILIAL, 11; Arrhythmogenic right ventricular dysplasia 11 with mild palmoplantar keratoderma and woolly hair. Identifiers: MedGen C1864850, MONDO:0012506, OMIM 610476.

Submission:

Labcorp Genetics (formerly Invitae), Labcorp
Classification: Uncertain significance for Arrhythmogenic right ventricular dysplasia 11. Last evaluated: 2025-08-07. Review status: criteria provided, single submitter. Criteria: Invitae Variant Classification Sherloc (09022015). Collection method: clinical testing. Allele origin: germline.
Comment: This sequence change replaces isoleucine, which is neutral and non-polar, with valine, which is neutral and non-polar, at codon 285 of the DSC2 protein (p.Ile285Val). This variant is not present in population databases (gnomAD no frequency). This variant has not been reported in the literature in individuals affected with DSC2-related conditions. ClinVar contains an entry for this variant (Variation ID: 2037038). Invitae Evidence Modeling of protein sequence and biophysical properties (such as structural, functional, and spatial information, amino acid conservation, physicochemical variation, residue mobility, and thermodynamic stability) indicates that this missense variant is not expected to disrupt DSC2 protein function with a negative predictive value of 80%. In summary, the available evidence is currently insufficient to determine the role of this variant in disease. Therefore, it has been classified as a Variant of Uncertain Significance.

NM_024422.6(DSC2):c.853A>G (p.Ile285Val)

Gene: DSC2 (desmocollin 2; minus strand). Cytogenetic location: 18q12.1.
Variant type: single nucleotide variant.
Coding change: c.853A>G on transcript NM_024422.6 (MANE Select); coding-DNA position 853, A replaced by G.
Protein change: p.Ile285Val; replaces isoleucine 285 with valine.
Molecular consequence: missense variant.
Genome position (GRCh38, 1-based): chr18:31,086,665, T>C on the plus strand (A>G on the coding strand, the complement: DSC2 is on the minus strand). VCF-style: chr18-31086665-T-C. GRCh37 (hg19) VCF-style: chr18-28666628-T-C.
Other names: c.424A>G, p.Ile142Val (NM_001406506.1, NM_001406507.1); c.853A>G, p.Ile285Val (NM_004949.5); short protein forms I142V, I285V.
Identifiers: ClinVar variation 2037038 (VCV002037038.4), dbSNP rs2510951282, ClinGen allele CA402112140.
Genomic context (GRCh38, chr18:31,086,665, plus strand): 5'-TGATCACGCCTGTAGTTGGATGCATAGAAAATAGGGTGGGTGATGGTGGCACCTGCCCAA[T>C]GATGGAGTACTTCAGGCGTGTGTGCATCGTGTCAGGCTCATCTTTGTCAGTAGCACACAC-3'
Protein context (NP_077740.1, residues 275-295): TMHTRLKYSI[Ile285Val]GQVPPSPTLF